The following is an entry in ClinVar:

NM_001080397.3(SLC45A1):c.619G>A (p.Ala207Thr)

Gene: SLC45A1 (solute carrier family 45 member 1; plus strand). Cytogenetic location: 1p36.23.
Variant type: single nucleotide variant.
Coding change: c.619G>A on transcript NM_001080397.3 (MANE Select); coding-DNA position 619, G replaced by A.
Protein change: p.Ala207Thr; replaces alanine 207 with threonine.
Molecular consequence: missense variant.
Genome position (GRCh38, 1-based): chr1:8,325,946, G>A. VCF-style: chr1-8325946-G-A. GRCh37 (hg19) VCF-style: chr1-8386006-G-A.
Other names: c.619G>A, p.Ala207Thr (NM_001379614.1); c.526G>A, p.Ala176Thr (NM_001379615.1, NM_001379616.1); c.13G>A, p.Ala5Thr (NM_001379617.1, NM_001379618.1); c.619G>A (NM_001080397.1); short protein forms A176T, A207T, A5T.
Identifiers: ClinVar variation 3045011 (VCV003045011.3), dbSNP rs143356185, ClinGen allele CA570143.

ClinVar aggregate classification (germline): Uncertain significance. Review status: criteria provided, single submitter (1 of 4 stars). 2 submissions from 2 submitters: Uncertain significance (1). 1 of the submissions does not count toward it. Last evaluated 2024-03-21.

Conditions:
SLC45A1-related disorder. Also called: SLC45A1-related condition.

gnomAD v4.1: 87 of 1,613,406 alleles (0.0054%); highest among the groups gnomAD compares: Admixed American, 0.12%; no homozygotes.

Submissions (2):

Ambry Genetics
Classification: Uncertain significance. Last evaluated: 2024-03-21. Review status: criteria provided, single submitter. Criteria: Ambry Variant Classification Scheme 2023. Collection method: clinical testing. Allele origin: germline.

PreventionGenetics, part of Exact Sciences
Classification: Likely benign for SLC45A1-related condition. Last evaluated: 2022-12-21. Review status: no assertion criteria provided. Collection method: clinical testing. Allele origin: germline. Not counted in ClinVar's aggregate classification.
Comment: This variant is classified as likely benign based on ACMG/AMP sequence variant interpretation guidelines (Richards et al. 2015 PMID: 25741868, with internal and published modifications).